The following is an entry in ClinVar:

NM_001164508.2(NEB):c.12082G>A (p.Asp4028Asn)

Gene: NEB (nebulin; minus strand). Cytogenetic location: 2q23.3.
Variant type: single nucleotide variant.
Coding change: c.12082G>A on transcript NM_001164508.2 (MANE Select); coding-DNA position 12082, G replaced by A.
Protein change: p.Asp4028Asn; replaces aspartic acid 4028 with asparagine.
Molecular consequence: missense variant.
Genome position (GRCh38, 1-based): chr2:151,610,057, C>T on the plus strand (G>A on the coding strand, the complement: NEB is on the minus strand). VCF-style: chr2-151610057-C-T. GRCh37 (hg19) VCF-style: chr2-152466571-C-T.
Other names: c.12082G>A, p.Asp4028Asn (NM_001164507.2, NM_001271208.2); c.11353G>A, p.Asp3785Asn (NM_004543.5); short protein forms D3785N, D4028N.
Identifiers: ClinVar variation 1497466 (VCV001497466.5), dbSNP rs2153972179, ClinGen allele CA348777758.

ClinVar aggregate classification (germline): Uncertain significance (1 of 4 stars; one submission).

Conditions:
Nemaline myopathy 2 (NEM2). Also called: Nemaline myopathy 2, autosomal recessive. Identifiers: MedGen C1850569, MONDO:0009725, OMIM 256030.

gnomAD v4.1: 9 of 1,613,836 alleles (0.00056%); highest among the groups gnomAD compares: Non-Finnish European, 0.00076%; no homozygotes.

Submission:

Labcorp Genetics (formerly Invitae), Labcorp
Classification: Uncertain significance for Nemaline myopathy 2. Last evaluated: 2021-08-31. Review status: criteria provided, single submitter. Criteria: Invitae Variant Classification Sherloc (09022015). Collection method: clinical testing. Allele origin: germline.
Comment: This sequence change replaces aspartic acid with asparagine at codon 4028 of the NEB protein (p.Asp4028Asn). The aspartic acid residue is moderately conserved and there is a small physicochemical difference between aspartic acid and asparagine. This variant is not present in population databases (ExAC no frequency). This variant has not been reported in the literature in individuals affected with NEB-related conditions. Algorithms developed to predict the effect of missense changes on protein structure and function are either unavailable or do not agree on the potential impact of this missense change (SIFT: "Deleterious"; PolyPhen-2: "Not Available"; Align-GVGD: "Class C0"). In summary, the available evidence is currently insufficient to determine the role of this variant in disease. Therefore, it has been classified as a Variant of Uncertain Significance.